The following is an entry in ClinVar:

ClinVar aggregate classification (germline): Uncertain significance. Review status: criteria provided, multiple submitters, no conflicts (2 of 4 stars). 2 submissions from 2 submitters: Uncertain significance (2). Last evaluated 2023-02-10.

Conditions:
Hereditary cancer-predisposing syndrome. Also called: Neoplastic Syndromes, Hereditary; Tumor predisposition; Hereditary Cancer Syndrome; Hereditary neoplastic syndrome. Identifiers: Orphanet 140162, MedGen C0027672, MeSH D009386, MONDO:0015356.

Submissions (2):

Ambry Genetics
Classification: Uncertain significance for Hereditary cancer-predisposing syndrome. Last evaluated: 2023-02-10. Review status: criteria provided, single submitter. Criteria: Ambry Variant Classification Scheme 2023. Collection method: clinical testing. Allele origin: germline.
Comment: The p.I118V variant (also known as c.352A>G), located in coding exon 3 of the RAD50 gene, results from an A to G substitution at nucleotide position 352. The isoleucine at codon 118 is replaced by valine, an amino acid with highly similar properties. This amino acid position is highly conserved in available vertebrate species. In addition, this alteration is predicted to be tolerated by in silico analysis. Since supporting evidence is limited at this time, the clinical significance of this alteration remains unclear.

Labcorp Genetics (formerly Invitae), Labcorp
Classification: Uncertain significance for Hereditary cancer-predisposing syndrome. Last evaluated: 2022-03-11. Review status: criteria provided, single submitter. Criteria: Invitae Variant Classification Sherloc (09022015). Collection method: clinical testing. Allele origin: germline.
Comment: This sequence change replaces isoleucine, which is neutral and non-polar, with valine, which is neutral and non-polar, at codon 118 of the RAD50 protein (p.Ile118Val). This variant is not present in population databases (gnomAD no frequency). This variant has not been reported in the literature in individuals affected with RAD50-related conditions. ClinVar contains an entry for this variant (Variation ID: 457455). Algorithms developed to predict the effect of missense changes on protein structure and function (SIFT, PolyPhen-2, Align-GVGD) all suggest that this variant is likely to be tolerated. In summary, the available evidence is currently insufficient to determine the role of this variant in disease. Therefore, it has been classified as a Variant of Uncertain Significance.

NM_005732.4(RAD50):c.352A>G (p.Ile118Val)

Gene: RAD50 (RAD50 double strand break repair protein; plus strand). Cytogenetic location: 5q31.1.
Variant type: single nucleotide variant.
Coding change: c.352A>G on transcript NM_005732.4 (MANE Select); coding-DNA position 352, A replaced by G.
Protein change: p.Ile118Val; replaces isoleucine 118 with valine.
Molecular consequence: missense variant.
Genome position (GRCh38, 1-based): chr5:132,575,915, A>G. VCF-style: chr5-132575915-A-G. GRCh37 (hg19) VCF-style: chr5-131911607-A-G.
Other names: short protein forms I118V.
Identifiers: ClinVar variation 457455 (VCV000457455.14), dbSNP rs1554097578, ClinGen allele CA360931443.